The following is an entry in ClinVar:

ClinVar aggregate classification (germline): Uncertain significance. Review status: criteria provided, multiple submitters, no conflicts (2 of 4 stars). 4 submissions from 4 submitters: Uncertain significance (4). Last evaluated 2025-10-06.

Conditions:
Inborn genetic diseases. Identifiers: MedGen C0950123, MeSH D030342.
Hajdu-Cheney syndrome (HJCYS). Also called: Acroosteolysis dominant type; ACROOSTEOLYSIS WITH OSTEOPOROSIS AND CHANGES IN SKULL AND MANDIBLE; SERPENTINE FIBULA-POLYCYSTIC KIDNEY SYNDROME. Identifiers: Orphanet 955, MedGen C0917715, MONDO:0007057, OMIM 102500.
Alagille syndrome due to a NOTCH2 point mutation. Also called: Alagille syndrome 2. Identifiers: Orphanet 261629, Orphanet 52, MedGen C1857761, MONDO:0012439, OMIM 610205.

Allele frequency attached by ClinVar (database versions not stated): gnomAD 0.00003; TOPMed 0.00006.

Submissions (4):

Labcorp Genetics (formerly Invitae), Labcorp
Classification: Uncertain significance for Hajdu-Cheney syndrome. Last evaluated: 2025-10-06. Review status: criteria provided, single submitter. Criteria: Invitae Variant Classification Sherloc (09022015). Collection method: clinical testing. Allele origin: germline.
Comment: This sequence change replaces asparagine, which is neutral and polar, with serine, which is neutral and polar, at codon 1156 of the NOTCH2 protein (p.Asn1156Ser). This variant is present in population databases (rs782760871, gnomAD 0.005%). This variant has not been reported in the literature in individuals affected with NOTCH2-related conditions. ClinVar contains an entry for this variant (Variation ID: 595426). Invitae Evidence Modeling of protein sequence and biophysical properties (such as structural, functional, and spatial information, amino acid conservation, physicochemical variation, residue mobility, and thermodynamic stability) indicates that this missense variant is not expected to disrupt NOTCH2 protein function with a negative predictive value of 80%. In summary, the available evidence is currently insufficient to determine the role of this variant in disease. Therefore, it has been classified as a Variant of Uncertain Significance.

Ambry Genetics
Classification: Uncertain significance for Inborn genetic diseases. Last evaluated: 2023-03-02. Review status: criteria provided, single submitter. Criteria: Ambry Variant Classification Scheme 2023. Collection method: clinical testing. Allele origin: germline.

Fulgent Genetics
Classification: Uncertain significance for Hajdu-Cheney syndrome; Alagille syndrome due to a NOTCH2 point mutation. Last evaluated: 2021-12-08. Review status: criteria provided, single submitter. Criteria: ACMG Guidelines, 2015. Collection method: clinical testing. Allele origin: unknown.

Eurofins Ntd Llc (ga)
Classification: Uncertain significance. Last evaluated: 2017-12-14. Review status: criteria provided, single submitter. Criteria: EGL Classification Definitions 2015. Collection method: clinical testing. Allele origin: germline. Observed: 1 variant allele, 1 heterozygote.

NM_024408.4(NOTCH2):c.3467A>G (p.Asn1156Ser)

Gene: NOTCH2 (notch receptor 2; minus strand). Cytogenetic location: 1p12.
Variant type: single nucleotide variant.
Coding change: c.3467A>G on transcript NM_024408.4 (MANE Select); coding-DNA position 3467, A replaced by G.
Protein change: p.Asn1156Ser; replaces asparagine 1156 with serine.
Molecular consequence: missense variant.
Genome position (GRCh38, 1-based): chr1:119,937,337, T>C on the plus strand (A>G on the coding strand, the complement: NOTCH2 is on the minus strand). VCF-style: chr1-119937337-T-C. GRCh37 (hg19) VCF-style: chr1-120479960-T-C.
Other names: c.3467A>G (NM_024408.3); c.3467A>G, p.Asn1156Ser (NM_001200001.2); short protein forms N1156S.
Identifiers: ClinVar variation 595426 (VCV000595426.13), dbSNP rs782760871, ClinGen allele CA1040056.